The following is an entry in ClinVar:

ClinVar aggregate classification (germline): Uncertain significance (1 of 4 stars; one submission).

Conditions:
Encephalopathy, acute, infection-induced (herpes-specific), susceptibility to, 1. Also called: Herpes simplex encephalitis, susceptibility to, 1. Identifiers: Orphanet 1930, MedGen C2750180, MONDO:0024563, OMIM 610551.

Allele frequency attached by ClinVar (database versions not stated): ExAC 0.00001.
gnomAD v4.1: 1 of 1,613,080 alleles (0.000062%); highest among the groups gnomAD compares: Non-Finnish European, 0.000085%; no homozygotes.

Submission:

Labcorp Genetics (formerly Invitae), Labcorp
Classification: Uncertain significance for Encephalopathy, acute, infection-induced (herpes-specific), susceptibility to, 1. Last evaluated: 2022-07-26. Review status: criteria provided, single submitter. Criteria: Invitae Variant Classification Sherloc (09022015). Collection method: clinical testing. Allele origin: germline.
Comment: Variants that disrupt the consensus splice site are a relatively common cause of aberrant splicing (PMID: 17576681, 9536098). Algorithms developed to predict the effect of sequence changes on RNA splicing suggest that this variant is not likely to affect RNA splicing. This sequence change falls in intron 2 of the TLR3 gene. It does not directly change the encoded amino acid sequence of the TLR3 protein. It affects a nucleotide within the consensus splice site. This variant is present in population databases (rs760031786, gnomAD 0.0009%). This variant has not been reported in the literature in individuals affected with TLR3-related conditions. In summary, the available evidence is currently insufficient to determine the role of this variant in disease. Therefore, it has been classified as a Variant of Uncertain Significance.

Literature cited by the submitters: PubMed 17576681; PubMed 9536098.

NM_003265.3(TLR3):c.442-3C>T

Gene: TLR3 (toll like receptor 3; plus strand). Cytogenetic location: 4q35.1.
Variant type: single nucleotide variant.
Coding change: c.442-3C>T on transcript NM_003265.3 (MANE Select); 3 bases into the intron before coding-DNA position 442, C replaced by T.
Molecular consequence: intron variant.
Genome position (GRCh38, 1-based): chr4:186,078,837, C>T. VCF-style: chr4-186078837-C-T. GRCh37 (hg19) VCF-style: chr4-186999991-C-T.
Identifiers: ClinVar variation 1965740 (VCV001965740.5), dbSNP rs760031786, ClinGen allele CA3161227.